The following is an entry in ClinVar:

ClinVar aggregate classification (germline): Uncertain significance (1 of 4 stars; one submission).

Conditions:
Evans syndrome, immunodeficiency, and premature immunosenescence associated with tripeptidyl-peptidase II deficiency. Identifiers: MedGen CN231723. Disease mechanism: loss of function.

Allele frequency attached by ClinVar (database versions not stated): gnomAD exomes below 0.00001.
gnomAD v4.1: 2 of 1,613,982 alleles (0.00012%); highest among the groups gnomAD compares: Non-Finnish European, 0.00017%; no homozygotes.

Submission:

Labcorp Genetics (formerly Invitae), Labcorp
Classification: Uncertain significance for Evans syndrome, immunodeficiency, and premature immunosenescence associated with tripeptidyl-peptidase II deficiency. Last evaluated: 2021-12-27. Review status: criteria provided, single submitter. Criteria: Invitae Variant Classification Sherloc (09022015). Collection method: clinical testing. Allele origin: germline.
Comment: This sequence change replaces methionine, which is neutral and non-polar, with valine, which is neutral and non-polar, at codon 450 of the TPP2 protein (p.Met450Val). This variant is not present in population databases (gnomAD no frequency). This variant has not been reported in the literature in individuals affected with TPP2-related conditions. Algorithms developed to predict the effect of missense changes on protein structure and function are either unavailable or do not agree on the potential impact of this missense change (SIFT: "Deleterious"; PolyPhen-2: "Probably Damaging"; Align-GVGD: "Class C15"). In summary, the available evidence is currently insufficient to determine the role of this variant in disease. Therefore, it has been classified as a Variant of Uncertain Significance.

NM_001330588.2(TPP2):c.1348A>G (p.Met450Val)

Gene: TPP2 (tripeptidyl peptidase 2; plus strand). Cytogenetic location: 13q33.1.
Variant type: single nucleotide variant.
Coding change: c.1348A>G on transcript NM_001330588.2 (MANE Select); coding-DNA position 1348, A replaced by G.
Protein change: p.Met450Val; replaces methionine 450 with valine.
Molecular consequence: missense variant. On other transcripts: non-coding transcript variant (1).
Genome position (GRCh38, 1-based): chr13:102,634,053, A>G. VCF-style: chr13-102634053-A-G. GRCh37 (hg19) VCF-style: chr13-103286403-A-G.
Other names: c.1348A>G, p.Met450Val (NM_001367947.1, NM_003291.4); short protein forms M450V.
Identifiers: ClinVar variation 1519868 (VCV001519868.5), dbSNP rs2139499535, ClinGen allele CA388486256.